The following is an entry in ClinVar:

NM_001130987.2(DYSF):c.5480A>T (p.Asp1827Val)

Gene: DYSF (dysferlin; plus strand). Cytogenetic location: 2p13.2.
Variant type: single nucleotide variant.
Coding change: c.5480A>T on transcript NM_001130987.2 (MANE Select); coding-DNA position 5480, A replaced by T.
Protein change: p.Asp1827Val; replaces aspartic acid 1827 with valine.
Molecular consequence: missense variant.
Genome position (GRCh38, 1-based): chr2:71,668,776, A>T. VCF-style: chr2-71668776-A-T. GRCh37 (hg19) VCF-style: chr2-71895906-A-T.
Other names: c.5366A>T, p.Asp1789Val (NM_001130455.2); c.5321A>T, p.Asp1774Val (NM_001130976.2); c.5384A>T, p.Asp1795Val (NM_001130977.2); c.5426A>T, p.Asp1809Val (NM_001130978.2); c.5456A>T, p.Asp1819Val (NM_001130979.2); c.5414A>T, p.Asp1805Val (NM_001130980.2); c.5477A>T, p.Asp1826Val (NM_001130981.2); c.5459A>T, p.Asp1820Val (NM_001130982.2); and 5 more; short protein forms D1774V, D1775V, D1788V, D1789V, D1795V, D1796V, D1805V, D1806V.
Identifiers: ClinVar variation 3896853 (VCV003896853.1).

ClinVar aggregate classification (germline): Uncertain significance (1 of 4 stars; one submission).

Conditions:
Autosomal recessive limb-girdle muscular dystrophy type 2B (LGMDR2). Also called: MUSCULAR DYSTROPHY, LIMB-GIRDLE, AUTOSOMAL RECESSIVE 2; MUSCULAR DYSTROPHY, LIMB-GIRDLE, TYPE 3; Limb-girdle muscular dystrophy, type 2B; Limb-Girdle Muscular Dystrophy Type 2B (LGMD2B). Identifiers: Orphanet 268, MedGen C1850889, MONDO:0009676, OMIM 253601.

Submission:

Kariminejad - Najmabadi Pathology & Genetics Center
Classification: Uncertain significance for Autosomal recessive limb-girdle muscular dystrophy type 2B. Last evaluated: 2023-07-26. Review status: criteria provided, single submitter. Criteria: ACMG Guidelines, 2015. Collection method: clinical testing. Allele origin: germline. Inheritance: Autosomal recessive inheritance. Affected: yes.
Comment: PP3,PM2